The following is an entry in ClinVar:

ClinVar aggregate classification (germline): Likely pathogenic. Review status: criteria provided, multiple submitters, no conflicts (2 of 4 stars). 2 submissions from 2 submitters: Likely pathogenic (2). Last evaluated 2026-06-24.

Conditions:
Familial cancer of breast. Also called: Hereditary breast cancer; hereditary breast carcinoma; BREAST CANCER, FAMILIAL. Identifiers: Orphanet 227535, MedGen C0346153, MONDO:0016419, OMIM 114480. Disease mechanism: loss of function.

Submissions (2):

Myriad Genetics, Inc.
Classification: Likely pathogenic for Familial cancer of breast. Last evaluated: 2026-06-24. Review status: criteria provided, single submitter. Criteria: Myriad Autosomal Dominant, Autosomal Recessive and X-Linked Classification Criteria (2023). Collection method: clinical testing. Allele origin: unknown.
Comment: This variant is considered likely pathogenic. This variant occurs within a consensus splice junction and is predicted to result in abnormal mRNA splicing of either an out-of-frame exon or an in-frame exon necessary for protein stability and/or normal function.

Labcorp Genetics (formerly Invitae), Labcorp
Classification: Likely pathogenic for Familial cancer of breast. Last evaluated: 2024-09-15. Review status: criteria provided, single submitter. Criteria: Invitae Variant Classification Sherloc (09022015). Collection method: clinical testing. Allele origin: germline.
Comment: This sequence change affects a splice site in intron 13 of the CHEK2 gene. It is expected to disrupt RNA splicing. Variants that disrupt the donor or acceptor splice site typically lead to a loss of protein function (PMID: 16199547), and loss-of-function variants in CHEK2 are known to be pathogenic (PMID: 21876083, 24713400). This variant is not present in population databases (gnomAD no frequency). This variant has not been reported in the literature in individuals affected with CHEK2-related conditions. ClinVar contains an entry for this variant (Variation ID: 2134827). Algorithms developed to predict the effect of sequence changes on RNA splicing suggest that this variant may disrupt the consensus splice site. In summary, the currently available evidence indicates that the variant is pathogenic, but additional data are needed to prove that conclusively. Therefore, this variant has been classified as Likely Pathogenic.

Literature cited by the submitters: PubMed 16199547 (cited by Labcorp Genetics (formerly Invitae), Labcorp); PubMed 21876083 (cited by Labcorp Genetics (formerly Invitae), Labcorp); PubMed 24713400 (cited by Labcorp Genetics (formerly Invitae), Labcorp).

NM_007194.4(CHEK2):c.1462-2del

Gene: CHEK2 (checkpoint kinase 2; minus strand). Cytogenetic location: 22q12.1.
Variant type: Deletion.
Coding change: c.1462-2del on transcript NM_007194.4 (MANE Select); the canonical splice acceptor site of the intron before coding-DNA position 1462, one base deleted (A; older notation c.1462-2delA).
Molecular consequence: splice acceptor variant.
Genome position (GRCh38, 1-based): chr22:28,689,217, T deleted on the plus strand (A on the coding strand, the reverse complement: CHEK2 is on the minus strand). VCF-style (leftmost placement, unchanged base first): chr22-28689216-CT-C. GRCh37 (hg19) VCF-style: chr22-29085204-CT-C.
Other names: c.799-2del (NM_001437942.1, NM_001257387.3); c.1261-2del (NM_001349956.3); c.1375-2del (NM_145862.3); c.1468-2del (NM_001438295.1); c.1555-2del (NM_001438293.1); c.1504-2del (NM_001438294.1); c.1591-2del (NM_001005735.3).
Identifiers: ClinVar variation 2134827 (VCV002134827.5), dbSNP rs2517758757, ClinGen allele CA2580099545.
Genomic context (GRCh38, chr22:28,689,216, plus strand): 5'-AGCTGTGGATTCATTTTCCTCAGACAGAAGATCTTGAAACTTTCTCTTCATGTCTTCATC[CT>C]GTGAGGGAATTAAAAACATAAGTAGCTGTGTCTGAAGGATAATAAACTCCTAGAATGACA-3'